The following is an entry in ClinVar:

ClinVar aggregate classification (germline): Uncertain significance. Review status: criteria provided, multiple submitters, no conflicts (2 of 4 stars). 3 submissions from 3 submitters: Uncertain significance (3). Last evaluated 2025-10-22.

Conditions:
Hyperphosphatasia with intellectual disability syndrome 5 (GPIBD11). Also called: GLYCOSYLPHOSPHATIDYLINOSITOL BIOSYNTHESIS DEFECT 11. Identifiers: Orphanet 247262, MedGen C4014958, MONDO:0014457, OMIM 616025.
Inborn genetic diseases. Identifiers: MedGen C0950123, MeSH D030342.

Allele frequency attached by ClinVar (database versions not stated): gnomAD 0.00001 and 0.00002; gnomAD exomes 0.00002; TOPMed 0.00003; ESP Exome Variant Server 0.00008; ExAC 0.00001.
gnomAD v4.1: 31 of 1,613,934 alleles (0.0019%); highest among the groups gnomAD compares: Non-Finnish European, 0.0025%; no homozygotes.

Submissions (3):

Ambry Genetics
Classification: Uncertain significance for Inborn genetic diseases. Last evaluated: 2025-10-22. Review status: criteria provided, single submitter. Criteria: Ambry Variant Classification Scheme 2023. Collection method: clinical testing. Allele origin: germline.

GeneDx
Classification: Uncertain significance. Last evaluated: 2023-05-04. Review status: criteria provided, single submitter. Criteria: GeneDx Variant Classification Process June 2021. Collection method: clinical testing. Allele origin: germline. Affected: yes.
Comment: Not observed at significant frequency in large population cohorts (gnomAD); In the absence of RNA/functional studies, the actual effect of this sequence change is unknown; Has not been previously published as pathogenic or benign to our knowledge

Labcorp Genetics (formerly Invitae), Labcorp
Classification: Uncertain significance for Hyperphosphatasia with intellectual disability syndrome 5. Last evaluated: 2022-03-19. Review status: criteria provided, single submitter. Criteria: Invitae Variant Classification Sherloc (09022015). Collection method: clinical testing. Allele origin: germline.
Comment: This sequence change replaces glycine, which is neutral and non-polar, with arginine, which is basic and polar, at codon 213 of the PIGW protein (p.Gly213Arg). This variant is present in population databases (rs145283085, gnomAD 0.004%). This variant has not been reported in the literature in individuals affected with PIGW-related conditions. Algorithms developed to predict the effect of missense changes on protein structure and function (SIFT, PolyPhen-2, Align-GVGD) all suggest that this variant is likely to be disruptive. In summary, the available evidence is currently insufficient to determine the role of this variant in disease. Therefore, it has been classified as a Variant of Uncertain Significance.

NM_001346754.2(PIGW):c.637G>A (p.Gly213Arg)

Genes: MYO19 (myosin XIX; minus strand), PIGW (phosphatidylinositol glycan anchor biosynthesis class W; plus strand). Cytogenetic location: 17q12.
Variant type: single nucleotide variant.
Coding change: c.637G>A on transcript NM_001346754.2 (MANE Select); coding-DNA position 637, G replaced by A.
Protein change: p.Gly213Arg; replaces glycine 213 with arginine.
Molecular consequence: missense variant.
Genome position (GRCh38, 1-based): chr17:36,537,738, G>A. VCF-style: chr17-36537738-G-A. GRCh37 (hg19) VCF-style: chr17-34893587-G-A.
Other names: c.637G>A, p.Gly213Arg (NM_001346755.2, NM_178517.5); c.637G>A (NM_178517.3); short protein forms G213R.
Identifiers: ClinVar variation 1369704 (VCV001369704.5), dbSNP rs145283085, ClinGen allele CA290116146.
Genomic context (GRCh38, chr17:36,537,738, plus strand): 5'-GGGTCCAAATTGCATTACTTTACAAACTCATTGTACTCTGTTTGGCCATTAGTCTTCCTA[G>A]GAATCGGACGATTAGCCATTATAAAATCAATAGGCTATCAGGAACATTTAACAGAGTATG-3'
Protein context (NP_001333683.1, residues 203-223): LYSVWPLVFL[Gly213Arg]IGRLAIIKSI